The following is an entry in ClinVar:

NM_001382391.1(CSPP1):c.1619-15_1619-8del

Gene: CSPP1 (centrosome and spindle pole associated protein 1; plus strand). Cytogenetic location: 8q13.2.
Variant type: Microsatellite.
Coding change: c.1619-15_1619-8del on transcript NM_001382391.1 (MANE Select); 15 bases into the intron before coding-DNA position 1619 through 8 bases into the intron before coding-DNA position 1619, 8 bases deleted (TGTTTTTT; older notation c.1619-15_1619-8delTGTTTTTT).
Molecular consequence: intron variant.
Genome position (GRCh38, 1-based): chr8:67,118,728-67,118,735, TGTTTTTT deleted; deleting any 8 consecutive bases within chr8:67,118,714-67,118,735 gives the same sequence; the c. name uses the placement nearest the transcript's 3' end. VCF-style (leftmost placement, unchanged base first): chr8-67118713-CTTTTTTTG-C. GRCh37 (hg19) VCF-style: chr8-68030948-CTTTTTTTG-C.
Other names: c.1604-15_1604-8delTGTTTTTT (NM_024790.6); c.1577-15_1577-8del (NM_001363132.2); c.1538-15_1538-8del (NM_001363131.2); c.1496-15_1496-8del (NM_001363133.2); c.1685-15_1685-8del (NM_001364869.1); c.1604-15_1604-8del (NM_024790.7, NM_001438331.1, NM_001438330.1); c.1505-15_1505-8del (NM_001364870.1); c.1073-15_1073-8del (NM_001438332.1); and 1 more.
Identifiers: ClinVar variation 422711 (VCV000422711.1), dbSNP rs777492103, ClinGen allele CA4770593.

ClinVar aggregate classification (germline): Likely benign (1 of 4 stars; one submission).

Submission:

GeneDx
Classification: Likely benign. Last evaluated: 2016-11-22. Review status: criteria provided, single submitter. Criteria: GeneDx Variant Classification (06012015). Collection method: clinical testing. Allele origin: germline. Affected: yes.
Comment: This variant is considered likely benign or benign based on one or more of the following criteria: it is a conservative change, it occurs at a poorly conserved position in the protein, it is predicted to be benign by multiple in silico algorithms, and/or has population frequency not consistent with disease.